The following is an entry in ClinVar:

NM_003970.4(MYOM2):c.911C>T (p.Thr304Met)

Gene: MYOM2 (myomesin 2; plus strand). Cytogenetic location: 8p23.3.
Variant type: single nucleotide variant.
Coding change: c.911C>T on transcript NM_003970.4 (MANE Select); coding-DNA position 911, C replaced by T.
Protein change: p.Thr304Met; replaces threonine 304 with methionine.
Molecular consequence: missense variant.
Genome position (GRCh38, 1-based): chr8:2,072,462, C>T. VCF-style: chr8-2072462-C-T. GRCh37 (hg19) VCF-style: chr8-2020542-C-T.
Other names: c.911C>T (NM_003970.3); short protein forms T304M.
Identifiers: ClinVar variation 2658307 (VCV002658307.25), dbSNP rs34842328, ClinGen allele CA170447840.

ClinVar aggregate classification (germline): Benign. Review status: criteria provided, single submitter (1 of 4 stars). 2 submissions from 2 submitters: Benign (1). 1 of the submissions does not count toward it. Last evaluated 2024-03-01.

Conditions:
MYOM2-related disorder. Also called: MYOM2-related condition.

Allele frequency attached by ClinVar (database versions not stated): 1000 Genomes Project 0.00499; 1000 Genomes Project 30x 0.00500; ESP Exome Variant Server 0.00769; ExAC 0.00780; gnomAD 0.00800; TOPMed 0.00913.
gnomAD v4.1: 18,377 of 1,614,026 alleles (1.1%); highest among the groups gnomAD compares: Non-Finnish European, 1.4%; 143 homozygotes.

Submissions (2):

CeGaT Center for Human Genetics Tuebingen
Classification: Benign. Last evaluated: 2024-03-01. Review status: criteria provided, single submitter. Criteria: CeGaT Center For Human Genetics Tuebingen Variant Classification Criteria Version 2. Collection method: clinical testing. Allele origin: germline. Affected: yes. Observed: 2 variant alleles.
Comment: MYOM2: BS1, BS2

PreventionGenetics, part of Exact Sciences
Classification: Benign for MYOM2-related condition. Last evaluated: 2019-03-14. Review status: no assertion criteria provided. Collection method: clinical testing. Allele origin: germline. Not counted in ClinVar's aggregate classification.
Comment: This variant is classified as benign based on ACMG/AMP sequence variant interpretation guidelines (Richards et al. 2015 PMID: 25741868, with internal and published modifications).